The following is an entry in ClinVar:

NM_182914.3(SYNE2):c.19115A>T (p.Glu6372Val)

Gene: SYNE2 (spectrin repeat containing nuclear envelope protein 2; plus strand). Cytogenetic location: 14q23.2.
Variant type: single nucleotide variant.
Coding change: c.19115A>T on transcript NM_182914.3 (MANE Select); coding-DNA position 19115, A replaced by T.
Protein change: p.Glu6372Val; replaces glutamic acid 6372 with valine.
Molecular consequence: missense variant.
Genome position (GRCh38, 1-based): chr14:64,214,252, A>T. VCF-style: chr14-64214252-A-T. GRCh37 (hg19) VCF-style: chr14-64680970-A-T.
Other names: c.19115A>T, p.Glu6372Val (NM_015180.6); c.17A>T, p.Glu6Val (NM_182913.4); short protein forms E6372V, E6V.
Identifiers: ClinVar variation 2037897 (VCV002037897.4), dbSNP rs2098655551, ClinGen allele CA389956365.

ClinVar aggregate classification (germline): Uncertain significance (1 of 4 stars; one submission).

Conditions:
Emery-Dreifuss muscular dystrophy 5, autosomal dominant (EDMD5). Also called: EMERY-DREIFUSS MUSCULAR DYSTROPHY 5. Identifiers: Orphanet 261, MedGen C2751805, MONDO:0013072, OMIM 612999.

Allele frequency attached by ClinVar (database versions not stated): gnomAD exomes 0.00001; TOPMed 0.00001.
gnomAD v4.1: 4 of 1,614,154 alleles (0.00025%); highest among the groups gnomAD compares: Non-Finnish European, 0.00034%; no homozygotes.

Submission:

Labcorp Genetics (formerly Invitae), Labcorp
Classification: Uncertain significance for Emery-Dreifuss muscular dystrophy 5, autosomal dominant. Last evaluated: 2022-07-29. Review status: criteria provided, single submitter. Criteria: Invitae Variant Classification Sherloc (09022015). Collection method: clinical testing. Allele origin: germline.
Comment: In summary, the available evidence is currently insufficient to determine the role of this variant in disease. Therefore, it has been classified as a Variant of Uncertain Significance. Algorithms developed to predict the effect of missense changes on protein structure and function are either unavailable or do not agree on the potential impact of this missense change (SIFT: "Deleterious"; PolyPhen-2: "Probably Damaging"; Align-GVGD: "Class C0"). This variant has not been reported in the literature in individuals affected with SYNE2-related conditions. This variant is not present in population databases (gnomAD no frequency). This sequence change replaces glutamic acid, which is acidic and polar, with valine, which is neutral and non-polar, at codon 6372 of the SYNE2 protein (p.Glu6372Val).